The following is an entry in ClinVar:

ClinVar aggregate classification (germline): Likely benign. Review status: criteria provided, multiple submitters, no conflicts (2 of 4 stars). 2 submissions from 2 submitters: Likely benign (2). Last evaluated 2025-02-17.

Conditions:
BEST1-related disorder. Also called: BEST1-related disorders; BEST1-related condition. Identifiers: MedGen CN239200.

gnomAD v4.1: 93 of 1,567,502 alleles (0.0059%); highest among the groups gnomAD compares: Non-Finnish European, 0.0078%; no homozygotes.

Submissions (2):

PreventionGenetics, part of Exact Sciences
Classification: Likely benign for BEST1-related condition. Last evaluated: 2025-02-17. Review status: criteria provided, single submitter. Criteria: ACMG Guidelines, 2015. Collection method: clinical testing. Allele origin: germline.
Comment: This variant is classified as likely benign based on ACMG/AMP sequence variant interpretation guidelines (Richards et al. 2015 PMID: 25741868, with internal and published modifications).

Blueprint Genetics
Classification: Likely benign. Last evaluated: 2022-02-02. Review status: criteria provided, single submitter. Criteria: ACMG Guidelines, 2015. Collection method: clinical testing. Allele origin: germline.

NM_004183.4(BEST1):c.1739+133A>G

Gene: BEST1 (bestrophin 1; plus strand). Cytogenetic location: 11q12.3.
Variant type: single nucleotide variant.
Coding change: c.1739+133A>G on transcript NM_004183.4 (MANE Select); 133 bases into the intron after coding-DNA position 1739, A replaced by G.
Molecular consequence: intron variant. On other transcripts: synonymous variant (9), 3 prime UTR variant (1).
Genome position (GRCh38, 1-based): chr11:61,963,026, A>G. VCF-style: chr11-61963026-A-G. GRCh37 (hg19) VCF-style: chr11-61730498-A-G.
Other names: c.1692A>G, p.Pro564= (NM_001139443.3); c.1554A>G, p.Pro518= (NM_001363591.3); c.*767A>G (NM_001363592.2); c.900A>G, p.Pro300= (NM_001363593.3); c.1872A>G, p.Pro624= (NM_001440571.1); c.1791A>G, p.Pro597= (NM_001440572.1); c.1719A>G, p.Pro573= (NM_001440573.1); c.1611A>G, p.Pro537= (NM_001440574.1); and 5 more.
Identifiers: ClinVar variation 4911997 (VCV004911997.2).